The following is an entry in ClinVar:

NM_080680.3(COL11A2):c.3877C>T (p.Arg1293Ter)

Gene: COL11A2 (collagen type XI alpha 2 chain; minus strand). Cytogenetic location: 6p21.32.
Variant type: single nucleotide variant.
Coding change: c.3877C>T on transcript NM_080680.3 (MANE Select); coding-DNA position 3877, C replaced by T.
Protein change: p.Arg1293Ter; replaces arginine 1293 with a stop codon.
Molecular consequence: nonsense.
Genome position (GRCh38, 1-based): chr6:33,168,735, G>A on the plus strand (C>T on the coding strand, the complement: COL11A2 is on the minus strand). VCF-style: chr6-33168735-G-A. GRCh37 (hg19) VCF-style: chr6-33136512-G-A.
Other names: c.3556C>T, p.Arg1186Ter (NM_080679.3); c.3619C>T, p.Arg1207Ter (NM_080681.3); short protein forms R1293*, R1207*, R1186*.
Identifiers: ClinVar variation 501115 (VCV000501115.7), dbSNP rs746754428, ClinGen allele CA3750328.
Genomic context (GRCh38, chr6:33,168,735, plus strand): 5'-CAGGGGGGTGGTGGGGTCACCAGGCACTCACAGGCTGTCCTGGCTCACCATCCTCGCCTC[G>A]GTCACCCTTAGCACCATCCTGGCCCTGCAGAAGTGAAGCAAGGTCAGAGGTGGGCCCCCA-3'

ClinVar aggregate classification (germline): Pathogenic/Likely pathogenic. Review status: criteria provided, multiple submitters, no conflicts (2 of 4 stars). 3 submissions from 3 submitters: Pathogenic (2); Likely pathogenic (1). Last evaluated 2020-01-24.

Conditions:
Oculodentodigital dysplasia, autosomal recessive. Also called: OCULODENTOOSSEOUS DYSPLASIA, AUTOSOMAL RECESSIVE; ODDD, AUTOSOMAL RECESSIVE; ODOD, AUTOSOMAL RECESSIVE. Identifiers: Orphanet 2710, MedGen C2749477, MONDO:0009768, OMIM 257850.

Allele frequency attached by ClinVar (database versions not stated): gnomAD exomes below 0.00001; ExAC 0.00003.
gnomAD v4.1: 2 of 1,595,716 alleles (0.00013%); highest among the groups gnomAD compares: Admixed American, 0.0017%; no homozygotes.

Submissions (3):

GeneDx
Classification: Pathogenic. Last evaluated: 2020-01-24. Review status: criteria provided, single submitter. Criteria: GeneDx Variant Classification Process June 2021. Collection method: clinical testing. Allele origin: germline. Affected: yes.
Comment: Nonsense variant predicted to result in protein truncation or nonsense mediated decay in a gene for which loss-of-function is a known mechanism of disease; This variant is associated with the following publications: (PMID: 31152317)

Eurofins Ntd Llc (ga)
Classification: Pathogenic. Last evaluated: 2017-05-23. Review status: criteria provided, single submitter. Criteria: EGL Classification Definitions 2015. Collection method: clinical testing. Allele origin: germline. Observed: 1 variant allele, 1 heterozygote.

Neuberg Centre For Genomic Medicine, NCGM
Classification: Likely pathogenic for Oculodentodigital dysplasia, autosomal recessive. Review status: criteria provided, single submitter. Criteria: ACMG Guidelines, 2015. Collection method: clinical testing. Allele origin: germline. Inheritance: Autosomal dominant inheritance. Affected: yes.
Comment: The above variant has been reported previously in individuals affected with Otospondylomegaepiphyseal Dysplasia (D'Gama AM et al., 2022). This variant is predicted to cause loss of normal protein function through protein truncation. Loss of function variants have been previously reported to be disease causing. However additional evidences are required to prove the pathogenicity of the variant. For these reasons, this variant has been classified as Likely Pathogenic.